The following is an entry in ClinVar:

NM_001377.3(DYNC2H1):c.3574-8del

Gene: DYNC2H1 (dynein cytoplasmic 2 heavy chain 1; plus strand). Cytogenetic location: 11q22.3.
Variant type: Deletion.
Coding change: c.3574-8del on transcript NM_001377.3 (MANE Select); 8 bases into the intron before coding-DNA position 3574, one base deleted (T; older notation c.3574-8delT).
Molecular consequence: intron variant.
Genome position (GRCh38, 1-based): chr11:103,155,323, T deleted; the last of 12 consecutive T bases (chr11:103,155,312-103,155,323); deleting any one gives the same sequence. VCF-style (leftmost placement, unchanged base first): chr11-103155311-CT-C. GRCh37 (hg19) VCF-style: chr11-103026040-CT-C.
Other names: c.3574-8delT (NM_001080463.2); c.3574-8del (NM_001080463.2).
Identifiers: ClinVar variation 1174980 (VCV001174980.20), dbSNP rs5794210, ClinGen allele CA6253352.

ClinVar aggregate classification (germline): Benign. Review status: criteria provided, multiple submitters, no conflicts (2 of 4 stars). 8 submissions from 8 submitters: Benign (5). 3 of the submissions do not count toward it. Last evaluated 2026-02-04.

Conditions:
Asphyxiating thoracic dystrophy 3. Also called: POLYDACTYLY WITH NEONATAL CHONDRODYSTROPHY, TYPE I; SHORT-RIB THORACIC DYSPLASIA 3/6 WITH POLYDACTYLY, DIGENIC; Short rib polydactyly syndrome 2B; Saldino-Noonan Syndrome; SHORT-RIB THORACIC DYSPLASIA 3 WITH OR WITHOUT POLYDACTYLY. Identifiers: Orphanet 474, Orphanet 93269, Orphanet 93270, Orphanet 93271, MedGen C0036069, MONDO:0013127, OMIM 613091.
Jeune thoracic dystrophy. Also called: Infantile thoracic dystrophy; Thoracic pelvic phalangeal dystrophy; Jeune's syndrome; Chondroectodermal dysplasia-like syndrome; Short-rib thoracic dysplasia; Jeune syndrome. Identifiers: Orphanet 474, MedGen C0265275, MONDO:0018770.

Submissions (8):

Labcorp Genetics (formerly Invitae), Labcorp
Classification: Benign for Jeune thoracic dystrophy. Last evaluated: 2026-02-04. Review status: criteria provided, single submitter. Criteria: Invitae Variant Classification Sherloc (09022015). Collection method: clinical testing. Allele origin: germline.

Blueprint Genetics
Classification: Benign. Last evaluated: 2024-11-27. Review status: criteria provided, single submitter. Criteria: ACMG Guidelines, 2015. Collection method: clinical testing. Allele origin: germline.

Molecular Genetics, Royal Melbourne Hospital
Classification: Benign for Asphyxiating thoracic dystrophy 3. Last evaluated: 2023-05-04. Review status: criteria provided, single submitter. Criteria: ACMG Guidelines, 2015. Collection method: clinical testing. Allele origin: germline. Affected: yes.
Comment: European Non-Finnish population allele frequency is 64.80% (rs554657471, 53,435/78,880 alleles, 14,614 homozygotes in gnomAD v2.1). Based on the classification scheme RMH Modified ACMG/AMP Guidelines v1.0, this variant is classified as BENIGN. Following criteria are met: BA1

Genome-Nilou Lab
Classification: Benign for Asphyxiating thoracic dystrophy 3. Last evaluated: 2021-07-30. Review status: criteria provided, single submitter. Criteria: ACMG Guidelines, 2015. Collection method: clinical testing. Allele origin: germline. Affected: no.

GeneDx
Classification: Benign. Last evaluated: 2019-12-26. Review status: criteria provided, single submitter. Criteria: GeneDx Variant Classification Process June 2021. Collection method: clinical testing. Allele origin: germline. Affected: yes.

Clinical Genetics DNA and cytogenetics Diagnostics Lab, Erasmus MC, Erasmus Medical Center
Classification: Benign. Review status: no assertion criteria provided. Collection method: clinical testing. Allele origin: germline. Affected: yes. Study: VKGL Data-share Consensus. Not counted in ClinVar's aggregate classification.

Diagnostic Laboratory, Department of Genetics, University Medical Center Groningen
Classification: Benign. Review status: no assertion criteria provided. Collection method: clinical testing. Allele origin: germline. Affected: yes. Study: VKGL Data-share Consensus. Not counted in ClinVar's aggregate classification.

Laboratory of Diagnostic Genome Analysis, Leiden University Medical Center (LUMC)
Classification: Benign. Review status: no assertion criteria provided. Collection method: clinical testing. Allele origin: germline. Affected: yes. Study: VKGL Data-share Consensus. Not counted in ClinVar's aggregate classification.